The following is an entry in ClinVar:

NM_020832.3(ZNF687):c.3267G>C (p.Glu1089Asp)

Gene: ZNF687 (zinc finger protein 687; plus strand). Cytogenetic location: 1q21.3.
Variant type: single nucleotide variant.
Coding change: c.3267G>C on transcript NM_020832.3 (MANE Select); coding-DNA position 3267, G replaced by C.
Protein change: p.Glu1089Asp; replaces glutamic acid 1089 with aspartic acid.
Molecular consequence: missense variant.
Genome position (GRCh38, 1-based): chr1:151,290,762, G>C. VCF-style: chr1-151290762-G-C. GRCh37 (hg19) VCF-style: chr1-151263238-G-C.
Other names: c.3267G>C, p.Glu1089Asp (NM_001304763.2, NM_001304764.2); short protein forms E1089D.
Identifiers: ClinVar variation 1923591 (VCV001923591.5), dbSNP rs199499467, ClinGen allele CA1088830.

ClinVar aggregate classification (germline): Uncertain significance (1 of 4 stars; one submission).

Allele frequency attached by ClinVar (database versions not stated): gnomAD exomes 0.00002; ExAC 0.00012; 1000 Genomes Project 30x 0.00016; 1000 Genomes Project 0.00020.
gnomAD v4.1: 38 of 1,613,216 alleles (0.0024%); highest among the groups gnomAD compares: East Asian, 0.08%; no homozygotes.

Submission:

Labcorp Genetics (formerly Invitae), Labcorp
Classification: Uncertain significance. Last evaluated: 2025-03-05. Review status: criteria provided, single submitter. Criteria: Invitae Variant Classification Sherloc (09022015). Collection method: clinical testing. Allele origin: germline.
Comment: This sequence change replaces glutamic acid, which is acidic and polar, with aspartic acid, which is acidic and polar, at codon 1089 of the ZNF687 protein (p.Glu1089Asp). This variant is present in population databases (rs199499467, gnomAD 0.2%), and has an allele count higher than expected for a pathogenic variant. This variant has not been reported in the literature in individuals affected with ZNF687-related conditions. ClinVar contains an entry for this variant (Variation ID: 1923591). An algorithm developed to predict the effect of missense changes on protein structure and function (PolyPhen-2) suggests that this variant is likely to be disruptive. In summary, the available evidence is currently insufficient to determine the role of this variant in disease. Therefore, it has been classified as a Variant of Uncertain Significance.